The following is an entry in ClinVar:

ClinVar aggregate classification (germline): Uncertain significance (1 of 4 stars; one submission).

Conditions:
Epidermolysis bullosa simplex 3, localized or generalized intermediate, with BP230 deficiency (EBS3). Also called: Epidermolysis bullosa simplex, autosomal recessive 2; Epidermolysis bullosa simplex due to BP230 deficiency. Identifiers: Orphanet 412181, MedGen C3809470, MONDO:0014180, OMIM 615425.
Hereditary sensory and autonomic neuropathy type 6. Also called: Neuropathy, hereditary sensory and autonomic, type VI; HSAN VI. Identifiers: Orphanet 314381, MedGen C3539003, MONDO:0013839, OMIM 614653.

Allele frequency attached by ClinVar (database versions not stated): gnomAD exomes 0.00001; ExAC 0.00002; gnomAD 0.00002; TOPMed 0.00002.
gnomAD v4.1: 25 of 1,613,862 alleles (0.0015%); highest among the groups gnomAD compares: East Asian, 0.011%; no homozygotes.

Submission:

Labcorp Genetics (formerly Invitae), Labcorp
Classification: Uncertain significance for Epidermolysis bullosa simplex 3, localized or generalized intermediate, with BP230 deficiency; Hereditary sensory and autonomic neuropathy type 6. Last evaluated: 2025-09-23. Review status: criteria provided, single submitter. Criteria: Invitae Variant Classification Sherloc (09022015). Collection method: clinical testing. Allele origin: germline.
Comment: The DST gene has multiple clinically relevant transcripts. This variant occurs in alternate transcript NM_015548.4, and corresponds to NM_001723.5:c.*17609A>G in the primary transcript. This sequence change affects codon 1386 of the DST mRNA. It is a 'silent' change, meaning that it does not change the encoded amino acid sequence of the DST protein. This variant is present in population databases (rs373646542, gnomAD 0.03%). This variant has not been reported in the literature in individuals affected with DST-related conditions. Experimental studies and prediction algorithms are not available or were not evaluated, and the effect of this variant on mRNA splicing is currently unknown. In summary, the available evidence is currently insufficient to determine the role of this variant in disease. Therefore, it has been classified as a Variant of Uncertain Significance.

NM_001374736.1(DST):c.12027A>G (p.Thr4009=)

Gene: DST (dystonin; minus strand). Cytogenetic location: 6p12.1.
Variant type: single nucleotide variant.
Coding change: c.12027A>G on transcript NM_001374736.1 (MANE Select); coding-DNA position 12027, A replaced by G.
Protein change: p.Thr4009=; no amino-acid change (threonine 4009 retained).
Molecular consequence: synonymous variant.
Genome position (GRCh38, 1-based): chr6:56,597,908, T>C on the plus strand (A>G on the coding strand, the complement: DST is on the minus strand). VCF-style: chr6-56597908-T-C. GRCh37 (hg19) VCF-style: chr6-56462706-T-C.
Other names: c.5670A>G, p.Thr1890= (NM_001144769.5); c.5256A>G, p.Thr1752= (NM_001144770.2); c.12027A>G, p.Thr4009= (NM_001374722.1); c.11394A>G, p.Thr3798= (NM_001374729.1); c.5136A>G, p.Thr1712= (NM_001374730.1, NM_001386100.1, NM_183380.4); c.12054A>G, p.Thr4018= (NM_001374734.1); c.4158A>G, p.Thr1386= (NM_015548.5).
Identifiers: ClinVar variation 2162314 (VCV002162314.2), dbSNP rs373646542, ClinGen allele CA3868531.